The following is an entry in ClinVar:

ClinVar aggregate classification (germline): Uncertain significance (0 of 4 stars; one submission).

Conditions:
NOTCH1-related disorder. Also called: NOTCH1-related disorders; NOTCH1-related condition.

Submission:

PreventionGenetics, part of Exact Sciences
Classification: Uncertain significance for NOTCH1-related condition. Last evaluated: 2024-02-21. Review status: no assertion criteria provided. Collection method: clinical testing. Allele origin: germline.
Comment: The NOTCH1 c.2330G>A variant is predicted to result in the amino acid substitution p.Cys777Tyr. To our knowledge, this variant has not been reported in the literature or in a large population database, indicating this variant is rare. At this time, the clinical significance of this variant is uncertain due to the absence of conclusive functional and genetic evidence.

NM_017617.5(NOTCH1):c.2330G>A (p.Cys777Tyr)

Gene: NOTCH1 (notch receptor 1; minus strand). Cytogenetic location: 9q34.3.
Variant type: single nucleotide variant.
Coding change: c.2330G>A on transcript NM_017617.5 (MANE Select); coding-DNA position 2330, G replaced by A.
Protein change: p.Cys777Tyr; replaces cysteine 777 with tyrosine.
Molecular consequence: missense variant.
Genome position (GRCh38, 1-based): chr9:136,513,415, C>T on the plus strand (G>A on the coding strand, the complement: NOTCH1 is on the minus strand). VCF-style: chr9-136513415-C-T. GRCh37 (hg19) VCF-style: chr9-139407867-C-T.
Other names: short protein forms C777Y.
Identifiers: ClinVar variation 2631022 (VCV002631022.3), dbSNP rs2540452830, ClinGen allele CA375556931.